The following is an entry in ClinVar:

ClinVar aggregate classification (germline): Uncertain significance (1 of 4 stars; one submission).

Conditions:
Spinocerebellar ataxia type 2 (SCA2). Also called: CEREBELLAR DEGENERATION WITH SLOW EYE MOVEMENTS; OLIVOPONTOCEREBELLAR ATROPHY II; SPINOCEREBELLAR ATROPHY II. Identifiers: Orphanet 98756, MedGen C0752121, MONDO:0008458, OMIM 183090.

Submission:

3billion
Classification: Uncertain significance for Spinocerebellar ataxia type 2. Last evaluated: 2023-08-11. Review status: criteria provided, single submitter. Criteria: ACMG Guidelines, 2015. Collection method: clinical testing. Allele origin: germline. Affected: yes.
Comment: The variant is not observed in the gnomAD v2.1.1 dataset. Predicted consequence - Inframe insertion variant (CAG repeat expansion). The variant has been reported to be associated with ATXN2-related disorder (ClinVar ID: VCV000065668). Therefore, this variant is classified as VUS according to the recommendation of ACMG/AMP guideline.

NM_001372574.1(ATXN2):c.18GCA[33] (p.Gln28_Pro29insGlnGlnGlnGlnGlnGlnGlnGlnGlnGlnGlnGlnGlnGlnGlnGlnGlnGlnGlnGln)

Genes: ATXN2 (ataxin 2; minus strand), LOC130008791 (ATAC-STARR-seq lymphoblastoid silent region 4872; plus strand). Cytogenetic location: 12q24.12.
Variant type: Microsatellite.
Coding change: c.18GCA[33] on transcript NM_001372574.1 (MANE Select); 33 copies in a row of the 3-base unit GCA starting at c.18.
Protein change: p.Gln28_Pro29insGlnGlnGlnGlnGlnGlnGlnGlnGlnGlnGlnGlnGlnGlnGlnGlnGlnGlnGlnGln.
Molecular consequence: inframe insertion. On other transcripts: non-coding transcript variant (1), intron variant (2).
Genome position: GRCh38, VCF-style position (the base before the change): chr12:111,598,978. GRCh37 (hg19), VCF-style position (the base before the change): chr12:112,036,782.
Other names: c.16CAG[33] (NM_001372574.1); c.18GCA[33], p.Gln28_Pro29insGlnGlnGlnGlnGlnGlnGlnGlnGlnGlnGlnGlnGlnGlnGlnGlnGlnGlnGlnGln (NM_002973.4); c.-28+558GCA[33] (NM_001310123.1); c.-65+558GCA[33] (NM_001310121.1).
Identifiers: ClinVar variation 3775376 (VCV003775376.1).